The following is an entry in ClinVar:

ClinVar aggregate classification (germline): Benign/Likely benign. Review status: criteria provided, multiple submitters, no conflicts (2 of 4 stars). 13 submissions from 13 submitters: Benign (7); Likely benign (6). Last evaluated 2026-06-24.

Conditions:
Hereditary cancer-predisposing syndrome. Also called: Tumor predisposition; Neoplastic Syndromes, Hereditary; Hereditary neoplastic syndrome; Hereditary Cancer Syndrome. Identifiers: Orphanet 140162, MedGen C0027672, MeSH D009386, MONDO:0015356.
Hereditary retinoblastoma. Identifiers: Orphanet 357027, MedGen C0751483, MONDO:0018160.
Retinoblastoma (RB1). Also called: RETINOBLASTOMA, SOMATIC. Identifiers: Orphanet 790, MedGen C0035335, MeSH D012175, MONDO:0008380, OMIM 180200, HP:0009919. Disease mechanism: loss of function. Inheritance: Both sporadic and heritable forms are tested..

Allele frequency attached by ClinVar (database versions not stated): 1000 Genomes Project 30x 0.00016; 1000 Genomes Project 0.00020; TOPMed 0.00033; ESP Exome Variant Server 0.00038; gnomAD 0.00052 and 0.00056; ExAC 0.00064; gnomAD exomes 0.00064.
gnomAD v4.1: 872 of 1,612,770 alleles (0.054%); highest among the groups gnomAD compares: South Asian, 0.22%; 6 homozygotes.

Submissions (13):

Myriad Genetics, Inc.
Classification: Benign for Retinoblastoma. Last evaluated: 2026-06-24. Review status: criteria provided, single submitter. Criteria: Myriad Autosomal Dominant, Autosomal Recessive and X-Linked Classification Criteria (2023). Collection method: clinical testing. Allele origin: unknown.
Comment: This variant is considered benign. This variant is a silent/synonymous amino acid change and it is not expected to impact splicing.

Women's Health and Genetics/Laboratory Corporation of America, LabCorp
Classification: Benign. Last evaluated: 2026-06-07. Review status: criteria provided, single submitter. Criteria: LabCorp Variant Classification Summary - May 2015. Collection method: clinical testing. Allele origin: germline.

CeGaT Center for Human Genetics Tuebingen
Classification: Likely benign. Last evaluated: 2026-05-01. Review status: criteria provided, single submitter. Criteria: CeGaT Center For Human Genetics Tuebingen Variant Classification Criteria Version 2. Collection method: clinical testing. Allele origin: germline. Affected: yes. Observed: 10 variant alleles.
Comment: RB1: BP4, BP7, BS1

Labcorp Genetics (formerly Invitae), Labcorp
Classification: Benign for Retinoblastoma. Last evaluated: 2026-02-03. Review status: criteria provided, single submitter. Criteria: Invitae Variant Classification Sherloc (09022015). Collection method: clinical testing. Allele origin: germline.

Ramesar Group, Division of Human Genetics, Institute of Infectious Diseases and Molecular Medicine, UCT/MRC Genomic and Precision Medicine Research Unit, University of Cape Town
Classification: Likely benign for Hereditary retinoblastoma. Last evaluated: 2025-09-17. Review status: criteria provided, single submitter. Criteria: ACMG Guidelines, 2015. Collection method: research. Allele origin: germline. Affected: no.
Comment: BP5 - Variant found in a patient with a different retinal disease; RB1 is not associated with the phenotype BP6 - Reported as benign in ClinVar BP7 - A synonymous variant with no predicted effect on splicing (SpliceAI scores are negligible)

Laboratory of Genetics, Children's Clinical University Hospital Latvia
Classification: Likely benign. Last evaluated: 2025-02-16. Review status: criteria provided, single submitter. Criteria: ACMG Guidelines, 2015. Collection method: clinical testing. Allele origin: germline. Affected: yes.

KCCC/NGS Laboratory, Kuwait Cancer Control Center
Classification: Benign for Retinoblastoma. Last evaluated: 2025-02-01. Review status: criteria provided, single submitter. Criteria: ACMG Guidelines, 2015. Collection method: clinical testing. Allele origin: germline. Affected: no.

Blueprint Genetics
Classification: Likely benign. Last evaluated: 2024-11-20. Review status: criteria provided, single submitter. Criteria: ACMG Guidelines, 2015. Collection method: clinical testing. Allele origin: germline.

All of Us Research Program, National Institutes of Health
Classification: Benign for Retinoblastoma. Last evaluated: 2024-02-05. Review status: criteria provided, single submitter. Criteria: ACMG Guidelines, 2015. Collection method: clinical testing. Allele origin: germline. Inheritance: Autosomal dominant inheritance. Observed: 133 variant alleles, 132 heterozygotes, 1 homozygote.
Comment: This study involves interpretation of variants in research participants for the purpose of population health screening. Participant phenotype was not available at the time of variant classification. Additional details can be found in publication PMID: 35346344, PMCID: PMC8962531

Color Diagnostics, LLC DBA Color Health
Classification: Benign for Retinoblastoma. Last evaluated: 2022-04-29. Review status: criteria provided, single submitter. Criteria: ACMG Guidelines, 2015. Collection method: clinical testing. Allele origin: germline.

Sema4
Classification: Benign for Hereditary cancer-predisposing syndrome. Last evaluated: 2021-01-13. Review status: criteria provided, single submitter. Criteria: Sema4 Curation Guidelines. Collection method: curation. Allele origin: germline.

Illumina Laboratory Services, Illumina
Classification: Likely benign for Retinoblastoma. Last evaluated: 2019-01-15. Review status: criteria provided, single submitter. Criteria: ICSL Variant Classification Criteria 13 December 2019. Collection method: clinical testing. Allele origin: germline.
Comment: This variant was observed as part of a predisposition screen in an ostensibly healthy population. A literature search was performed for the gene, cDNA change, and amino acid change (where applicable). No publications were found based on this search. Allele frequency data from public databases allowed determination this variant is unlikely to cause disease. Therefore, this variant is classified as likely benign.

Ambry Genetics
Classification: Likely benign for Hereditary cancer-predisposing syndrome. Last evaluated: 2015-11-24. Review status: criteria provided, single submitter. Criteria: Ambry Variant Classification Scheme 2023. Collection method: clinical testing. Allele origin: germline.

NM_000321.3(RB1):c.1707A>G (p.Leu569=)

Gene: RB1 (RB transcriptional corepressor 1; plus strand). Cytogenetic location: 13q14.2.
Variant type: single nucleotide variant.
Coding change: c.1707A>G on transcript NM_000321.3 (MANE Select); coding-DNA position 1707, A replaced by G.
Protein change: p.Leu569=; no amino-acid change (leucine 569 retained).
Molecular consequence: synonymous variant.
Genome position (GRCh38, 1-based): chr13:48,453,004, A>G. VCF-style: chr13-48453004-A-G. GRCh37 (hg19) VCF-style: chr13-49027140-A-G.
Identifiers: ClinVar variation 312291 (VCV000312291.69), dbSNP rs3092895, ClinGen allele CA032354.